The following is an entry in ClinVar:

ClinVar aggregate classification (germline): Likely benign (1 of 4 stars; one submission).

Allele frequency attached by ClinVar (database versions not stated): gnomAD 0.00001; gnomAD exomes 0.00001; TOPMed 0.00002.
gnomAD v4.1: 12 of 1,613,826 alleles (0.00074%); highest among the groups gnomAD compares: Middle Eastern, 0.033%; no homozygotes.

Submission:

CeGaT Center for Human Genetics Tuebingen
Classification: Likely benign. Last evaluated: 2023-02-01. Review status: criteria provided, single submitter. Criteria: CeGaT Center For Human Genetics Tuebingen Variant Classification Criteria Version 2. Collection method: clinical testing. Allele origin: germline. Affected: yes. Observed: 1 variant allele.
Comment: MSTO1: BP4, BP7

NM_018116.4(MSTO1):c.996C>A (p.Ile332=)

Gene: MSTO1 (misato mitochondrial distribution and morphology regulator 1; plus strand). Cytogenetic location: 1q22.
Variant type: single nucleotide variant.
Coding change: c.996C>A on transcript NM_018116.4 (MANE Select); coding-DNA position 996, C replaced by A.
Protein change: p.Ile332=; no amino-acid change (isoleucine 332 retained).
Molecular consequence: synonymous variant. On other transcripts: non-coding transcript variant (6).
Genome position (GRCh38, 1-based): chr1:155,612,873, C>A. VCF-style: chr1-155612873-C-A. GRCh37 (hg19) VCF-style: chr1-155582664-C-A.
Other names: c.996C>A, p.Ile332= (NM_001256532.1, NM_001256533.1, NM_001350772.1 and 3 more transcripts); c.831C>A, p.Ile277= (NM_001350776.1); c.465C>A, p.Ile155= (NM_001350777.1, NM_001350778.1, NM_001350779.1); c.462C>A, p.Ile154= (NM_001350780.1, NM_001350781.1, NM_001350782.1 and 3 more transcripts); c.453C>A, p.Ile151= (NM_001350784.1, NM_001350785.1, NM_001350787.1 and 1 more transcripts).
Identifiers: ClinVar variation 2639432 (VCV002639432.24), dbSNP rs1236444491, ClinGen allele CA421251181.
Genomic context (GRCh38, chr1:155,612,873, plus strand): 5'-GCCAAGTGCCCATCTTGGTGTCTTCTTACAGGCCACTCTGCCCTTCCACTGCAGTGCCAT[C>A]CTGGCTACAGCCCTGGACACAGTCACTGTTCCTTATCGCCTGTGTTCCTCTCCAGTTTCC-3'
Protein context (NP_060586.2, residues 322-342): DATLPFHCSA[Ile332=]LATALDTVTV